The following is an entry in ClinVar:

ClinVar aggregate classification (germline): Uncertain significance (1 of 4 stars; one submission).

Conditions:
Hypertrophic cardiomyopathy 10. Also called: MYL2-Related Familial Hypertrophic Cardiomyopathy; CARDIOMYOPATHY, HYPERTROPHIC, MID-LEFT VENTRICULAR CHAMBER TYPE, 2. Identifiers: MedGen C1834460, MONDO:0012112, OMIM 608758.

gnomAD v4.1: 1 of 1,606,544 alleles (0.000062%); highest among the groups gnomAD compares: Non-Finnish European, 0.000085%; no homozygotes.

Submission:

Labcorp Genetics (formerly Invitae), Labcorp
Classification: Uncertain significance for Hypertrophic cardiomyopathy 10. Last evaluated: 2023-10-06. Review status: criteria provided, single submitter. Criteria: Invitae Variant Classification Sherloc (09022015). Collection method: clinical testing. Allele origin: germline.
Comment: This sequence change replaces phenylalanine, which is neutral and non-polar, with leucine, which is neutral and non-polar, at codon 142 of the MYL2 protein (p.Phe142Leu). This variant is not present in population databases (gnomAD no frequency). This variant has not been reported in the literature in individuals affected with MYL2-related conditions. An algorithm developed to predict the effect of missense changes on protein structure and function (PolyPhen-2) suggests that this variant is likely to be disruptive. In summary, the available evidence is currently insufficient to determine the role of this variant in disease. Therefore, it has been classified as a Variant of Uncertain Significance.

NM_000432.4(MYL2):c.426C>A (p.Phe142Leu)

Gene: MYL2 (myosin light chain 2; minus strand). Cytogenetic location: 12q24.11.
Variant type: single nucleotide variant.
Coding change: c.426C>A on transcript NM_000432.4 (MANE Select); coding-DNA position 426, C replaced by A.
Protein change: p.Phe142Leu; replaces phenylalanine 142 with leucine.
Molecular consequence: missense variant.
Genome position (GRCh38, 1-based): chr12:110,911,152, G>T on the plus strand (C>A on the coding strand, the complement: MYL2 is on the minus strand). VCF-style: chr12-110911152-G-T. GRCh37 (hg19) VCF-style: chr12-111348956-G-T.
Other names: c.384C>A, p.Phe128Leu (NM_001406745.1, NM_001406746.1); c.369C>A, p.Phe123Leu (NM_001406916.1); short protein forms F123L, F128L, F142L.
Identifiers: ClinVar variation 2887378 (VCV002887378.3), dbSNP rs1592798603, ClinGen allele CA386696957.